The following is an entry in ClinVar:

NM_001363711.2(DUOX2):c.1977C>T (p.Ser659=)

Gene: DUOX2 (dual oxidase 2; minus strand). Cytogenetic location: 15q21.1.
Variant type: single nucleotide variant.
Coding change: c.1977C>T on transcript NM_001363711.2 (MANE Select); coding-DNA position 1977, C replaced by T.
Protein change: p.Ser659=; no amino-acid change (serine 659 retained).
Molecular consequence: synonymous variant.
Genome position (GRCh38, 1-based): chr15:45,106,296, G>A on the plus strand (C>T on the coding strand, the complement: DUOX2 is on the minus strand). VCF-style: chr15-45106296-G-A. GRCh37 (hg19) VCF-style: chr15-45398494-G-A.
Other names: c.1977C>T, p.Ser659= (NM_014080.5).
Identifiers: ClinVar variation 3047804 (VCV003047804.2), dbSNP rs943708613, ClinGen allele CA490218787.

ClinVar aggregate classification (germline): Likely benign (0 of 4 stars; one submission).

Conditions:
DUOX2-related disorder. Also called: DUOX2-related condition.

gnomAD v4.1: 2 of 1,613,978 alleles (0.00012%); highest among the groups gnomAD compares: Non-Finnish European, 0.00017%; no homozygotes.

Submission:

PreventionGenetics, part of Exact Sciences
Classification: Likely benign for DUOX2-related condition. Last evaluated: 2023-03-13. Review status: no assertion criteria provided. Collection method: clinical testing. Allele origin: germline.
Comment: This variant is classified as likely benign based on ACMG/AMP sequence variant interpretation guidelines (Richards et al. 2015 PMID: 25741868, with internal and published modifications).